The following is an entry in ClinVar:

NM_000350.3(ABCA4):c.1660C>T (p.Pro554Ser)

Gene: ABCA4 (ATP binding cassette subfamily A member 4; minus strand). Cytogenetic location: 1p22.1.
Variant type: single nucleotide variant.
Coding change: c.1660C>T on transcript NM_000350.3 (MANE Select); coding-DNA position 1660, C replaced by T.
Protein change: p.Pro554Ser; replaces proline 554 with serine.
Molecular consequence: missense variant.
Genome position (GRCh38, 1-based): chr1:94,063,212, G>A on the plus strand (C>T on the coding strand, the complement: ABCA4 is on the minus strand). VCF-style: chr1-94063212-G-A. GRCh37 (hg19) VCF-style: chr1-94528768-G-A.
Other names: c.1660C>T, p.Pro554Ser (NM_001425324.1); c.1660C>T (NM_000350.2); short protein forms P554S.
Identifiers: ClinVar variation 1429805 (VCV001429805.4), dbSNP rs1380991789, ClinGen allele CA341280291.

ClinVar aggregate classification (germline): Uncertain significance. Review status: criteria provided, multiple submitters, no conflicts (2 of 4 stars). 2 submissions from 2 submitters: Uncertain significance (2). Last evaluated 2026-09-17.

Conditions:
ABCA4-related disorder. Also called: ABCA4-related disorders; ABCA4-related condition. Identifiers: MedGen CN239167.

Allele frequency attached by ClinVar (database versions not stated): gnomAD exomes 0.00001.
gnomAD v4.1: 9 of 1,614,124 alleles (0.00056%); highest among the groups gnomAD compares: South Asian, 0.0088%; 1 homozygote.

Submissions (2):

PreventionGenetics, part of Exact Sciences
Classification: Uncertain significance for ABCA4-related condition. Last evaluated: 2026-09-17. Review status: criteria provided, single submitter. Criteria: ACMG Guidelines, 2015. Collection method: clinical testing. Allele origin: germline.
Comment: The ABCA4 c.1660C>T variant is predicted to result in the amino acid substitution p.Pro554Ser. To our knowledge, this variant has not been reported in the literature. This variant is reported in 0.0065% of alleles in individuals of South Asian descent in gnomAD. At this time, the clinical significance of this variant is uncertain due to the absence of conclusive functional and genetic evidence.

Labcorp Genetics (formerly Invitae), Labcorp
Classification: Uncertain significance. Last evaluated: 2022-07-06. Review status: criteria provided, single submitter. Criteria: Invitae Variant Classification Sherloc (09022015). Collection method: clinical testing. Allele origin: germline.
Comment: This sequence change replaces proline, which is neutral and non-polar, with serine, which is neutral and polar, at codon 554 of the ABCA4 protein (p.Pro554Ser). This variant is present in population databases (no rsID available, gnomAD 0.006%). This variant has not been reported in the literature in individuals affected with ABCA4-related conditions. ClinVar contains an entry for this variant (Variation ID: 1429805). Advanced modeling of protein sequence and biophysical properties (such as structural, functional, and spatial information, amino acid conservation, physicochemical variation, residue mobility, and thermodynamic stability) performed at Invitae indicates that this missense variant is not expected to disrupt ABCA4 protein function. In summary, the available evidence is currently insufficient to determine the role of this variant in disease. Therefore, it has been classified as a Variant of Uncertain Significance.